The following is an entry in ClinVar:

NC_012920.1(MT-ATP6):m.8642A>C

Gene: MT-ATP6 (mitochondrially encoded ATP synthase 6; plus strand).
Variant type: single nucleotide variant.
Genome position: chrM-8642-A-C.
Identifiers: ClinVar variation 692939 (VCV000692939.1), dbSNP rs1603221663, ClinGen allele CA414797128.

ClinVar aggregate classification (germline): Uncertain significance (1 of 4 stars; one submission).

Conditions:
Leigh syndrome (NULS). Also called: Leigh's necrotizing encephalopathy; Leigh's disease; Leigh Syndrome (mtDNA deletion); Leigh Disease; Subacute necrotizing encephalopathy; Necrotizing encephalopathy infantile subacute of Leigh. Identifiers: Orphanet 506, MedGen C2931891, MONDO:0009723, OMIM 256000.

Submission:

Wong Mito Lab, Molecular and Human Genetics, Baylor College of Medicine
Classification: Uncertain significance for Leigh syndrome. Last evaluated: 2019-10-17. Review status: criteria provided, single submitter. Criteria: Modified ACMG Guidelines (Unpublished). Collection method: clinical testing. Allele origin: germline.
Comment: The NC_012920.1:m.8642A>C (YP_003024031.1:p.Asn39Thr) variant in MTATP6 gene is interpretated to be a Uncertain Significance variant based on the modified ACMG guidelines (unpublished). This variant meets the following evidence codes: BS4